The following is an entry in ClinVar:

ClinVar aggregate classification (germline): Uncertain significance (1 of 4 stars; one submission).

Conditions:
Inborn genetic diseases. Identifiers: MedGen C0950123, MeSH D030342.

Allele frequency attached by ClinVar (database versions not stated): gnomAD exomes below 0.00001.
gnomAD v4.1: 7 of 1,536,932 alleles (0.00046%); highest among the groups gnomAD compares: Non-Finnish European, 0.00053%; no homozygotes.

Submission:

Ambry Genetics
Classification: Uncertain significance for Inborn genetic diseases. Last evaluated: 2019-04-27. Review status: criteria provided, single submitter. Criteria: Ambry Variant Classification Scheme 2023. Collection method: clinical testing. Allele origin: germline.
Comment: The p.Q469R variant (also known as c.1406A>G), located in coding exon 5 of the CHRNA4 gene, results from an A to G substitution at nucleotide position 1406. The glutamine at codon 469 is replaced by arginine, an amino acid with highly similar properties. This amino acid position is not well conserved in available vertebrate species. In addition, the in silico prediction for this alteration is inconclusive. Since supporting evidence is limited at this time, the clinical significance of this alteration remains unclear.

NM_000744.7(CHRNA4):c.1406A>G (p.Gln469Arg)

Gene: CHRNA4 (cholinergic receptor nicotinic alpha 4 subunit; minus strand). Cytogenetic location: 20q13.33.
Variant type: single nucleotide variant.
Coding change: c.1406A>G on transcript NM_000744.7 (MANE Select); coding-DNA position 1406, A replaced by G.
Protein change: p.Gln469Arg; replaces glutamine 469 with arginine.
Molecular consequence: missense variant. On other transcripts: non-coding transcript variant (1).
Genome position (GRCh38, 1-based): chr20:63,350,005, T>C on the plus strand (A>G on the coding strand, the complement: CHRNA4 is on the minus strand). VCF-style: chr20-63350005-T-C. GRCh37 (hg19) VCF-style: chr20-61981357-T-C.
Other names: c.878A>G, p.Gln293Arg (NM_001256573.2); short protein forms Q469R, Q293R.
Identifiers: ClinVar variation 1771901 (VCV001771901.2), dbSNP rs2516538323, ClinGen allele CA409633701.